The following is an entry in ClinVar:

NM_001267550.2(TTN):c.100684G>A (p.Asp33562Asn)

Genes: TTN-AS1 (TTN antisense RNA 1; plus strand), TTN (titin; minus strand). Cytogenetic location: 2q31.2.
Variant type: single nucleotide variant.
Coding change: c.100684G>A on transcript NM_001267550.2 (MANE Select); coding-DNA position 100684, G replaced by A.
Protein change: p.Asp33562Asn; replaces aspartic acid 33562 with asparagine.
Molecular consequence: missense variant.
Genome position (GRCh38, 1-based): chr2:178,536,063, C>T on the plus strand (G>A on the coding strand, the complement: TTN is on the minus strand). VCF-style: chr2-178536063-C-T. GRCh37 (hg19) VCF-style: chr2-179400790-C-T.
Other names: c.95761G>A, p.Asp31921Asn (NM_001256850.1); c.73489G>A, p.Asp24497Asn (NM_003319.4); c.92980G>A, p.Asp30994Asn (NM_133378.4); c.73864G>A, p.Asp24622Asn (NM_133432.3); c.74065G>A, p.Asp24689Asn (NM_133437.4); short protein forms D24622N, D24689N, D30994N, D24497N, D31921N, D33562N.
Identifiers: ClinVar variation 4794758 (VCV004794758.1).

ClinVar aggregate classification (germline): Uncertain significance (1 of 4 stars; one submission).

Conditions:
Autosomal recessive limb-girdle muscular dystrophy type 2J (LGMDR10). Also called: MUSCULAR DYSTROPHY, LIMB-GIRDLE, AUTOSOMAL RECESSIVE 10; Limb-girdle muscular dystrophy, type 2J. Identifiers: Orphanet 140922, MedGen C1837342, MONDO:0012127, OMIM 608807.
Dilated cardiomyopathy 1G (CMD1G). Identifiers: Orphanet 154, MedGen C1858763, MONDO:0011400, OMIM 604145.

Submission:

Labcorp Genetics (formerly Invitae), Labcorp
Classification: Uncertain significance for Dilated cardiomyopathy 1G; Autosomal recessive limb-girdle muscular dystrophy type 2J. Last evaluated: 2025-11-25. Review status: criteria provided, single submitter. Criteria: Invitae Variant Classification Sherloc (09022015). Collection method: clinical testing. Allele origin: germline.
Comment: This sequence change replaces aspartic acid, which is acidic and polar, with asparagine, which is neutral and polar, at codon 33562 of the TTN protein (p.Asp33562Asn). This variant is not present in population databases (gnomAD no frequency). This missense change has been observed in individual(s) with dilated cardiomyopathy and/or hypertrophic cardiomyopathy (PMID: 31628103; internal data). Algorithms developed to predict the effect of variants on gene product structure and function are not available or were not evaluated for this variant. Experimental studies have shown that this missense change affects TTN function (PMID: 31628103). This variant is located in the A band of TTN (PMID: 25589632). Variants in this region may be relevant for cardiac or neuromuscular disorders (PMID: 25589632, 23975875). In summary, the available evidence is currently insufficient to determine the role of this variant in disease. Therefore, it has been classified as a Variant of Uncertain Significance.

Literature cited by the submitters: PubMed 31628103; PubMed 25589632; PubMed 23975875.